The following is an entry in ClinVar:

NM_000228.3(LAMB3):c.2745dup (p.Val916fs)

Gene: LAMB3 (laminin subunit beta 3; minus strand). Cytogenetic location: 1q32.2.
Variant type: Duplication.
Coding change: c.2745dup on transcript NM_000228.3 (MANE Select); coding-DNA position 2745, one base duplicated (C; older notation c.2745dupC).
Protein change: p.Val916fs; shifts the reading frame from valine 916.
Molecular consequence: frameshift variant.
Genome position (GRCh38, 1-based): chr1:209,618,616, G duplicated on the plus strand (C on the coding strand, the reverse complement: LAMB3 is on the minus strand); the first of 2 consecutive G bases (chr1:209,618,616-209,618,617); duplicating either gives the same sequence. VCF-style (leftmost placement, unchanged base first): chr1-209618615-C-CG. GRCh37 (hg19) VCF-style: chr1-209791960-C-CG.
Other names: c.2745dup, p.Val916fs (NM_001017402.2, NM_001127641.1); short protein forms V916fs.
Identifiers: ClinVar variation 5012030 (VCV005012030.1).

ClinVar aggregate classification (germline): Pathogenic (1 of 4 stars; one submission).

Conditions:
Junctional epidermolysis bullosa. Identifiers: Orphanet 305, MedGen C0079301, MONDO:0017612.

Submission:

Myriad Genetics, Inc.
Classification: Pathogenic for Junctional epidermolysis bullosa. Last evaluated: 2023-09-27. Review status: criteria provided, single submitter. Criteria: Myriad Autosomal Dominant, Autosomal Recessive and X-Linked Classification Criteria (2023). Collection method: clinical testing. Allele origin: unknown.
Comment: NM_000228.2(LAMB3):c.2745dupC(V916Rfs*19) is expected to be pathogenic in the context of junctional epidermolysis bullosa, LAMB3-related. This variant is predicted to lead to an abnormal or absent protein product due to the creation of a premature termination codon in LAMB3, a gene where loss-of-function variants are known to be pathogenic. Please note: this variant was assessed in the context of healthy population screening.